The following is an entry in ClinVar:

ClinVar aggregate classification (germline): Uncertain significance (1 of 4 stars; one submission).

Conditions:
Inborn genetic diseases. Identifiers: MedGen C0950123, MeSH D030342.

Submission:

Ambry Genetics
Classification: Uncertain significance for Inborn genetic diseases. Last evaluated: 2025-11-04. Review status: criteria provided, single submitter. Criteria: Ambry Variant Classification Scheme 2023. Collection method: clinical testing. Allele origin: germline.
Comment: The p.N570S variant (also known as c.1709A>G), located in coding exon 14 of the BUB1B gene, results from an A to G substitution at nucleotide position 1709. The asparagine at codon 570 is replaced by serine, an amino acid with highly similar properties. This amino acid position is conserved. In addition, this alteration is predicted to be tolerated by in silico analysis. Based on the available evidence, the clinical significance of this variant remains unclear.

NM_001211.6(BUB1B):c.1709A>G (p.Asn570Ser)

Gene: BUB1B (BUB1 mitotic checkpoint serine/threonine kinase B; plus strand). Cytogenetic location: 15q15.1.
Variant type: single nucleotide variant.
Coding change: c.1709A>G on transcript NM_001211.6 (MANE Select); coding-DNA position 1709, A replaced by G.
Protein change: p.Asn570Ser; replaces asparagine 570 with serine.
Molecular consequence: missense variant.
Genome position (GRCh38, 1-based): chr15:40,202,669, A>G. VCF-style: chr15-40202669-A-G. GRCh37 (hg19) VCF-style: chr15-40494870-A-G.
Other names: short protein forms N570S.
Identifiers: ClinVar variation 4600504 (VCV004600504.1).
Genomic context (GRCh38, chr15:40,202,669, plus strand): 5'-GAGTTTTAGCTCAACGAAGACCCCTTGCAGTTCTCAAAACCTCAGAAAGCATCACCTCAA[A>G]TGAAGATGTGTCTCCAGATGTTTGTGTAAGGAGCAGTATCCTTAAGTTAATGTAAATGGG-3'
Protein context (NP_001202.5, residues 560-580): VLKTSESITS[Asn570Ser]EDVSPDVCDE